The following is an entry in ClinVar:

NM_022124.6(CDH23):c.5368G>A (p.Gly1790Arg)

Gene: CDH23 (cadherin related 23; plus strand). Cytogenetic location: 10q22.1.
Variant type: single nucleotide variant.
Coding change: c.5368G>A on transcript NM_022124.6 (MANE Select); coding-DNA position 5368, G replaced by A.
Protein change: p.Gly1790Arg; replaces glycine 1790 with arginine.
Molecular consequence: missense variant.
Genome position (GRCh38, 1-based): chr10:71,779,447, G>A. VCF-style: chr10-71779447-G-A. GRCh37 (hg19) VCF-style: chr10-73539204-G-A.
Other names: short protein forms G1790R.
Identifiers: ClinVar variation 1485595 (VCV001485595.5), dbSNP rs1203545376, ClinGen allele CA377143244.
Genomic context (GRCh38, chr10:71,779,447, plus strand): 5'-GACCGAGACTCAGGACCCAACGGGCAGGTGGAGTACAGCATCATGGATGGAGACCCTCTG[G>A]GTGAGTGGGGCTTGGGGCATGCCACCCACAGGGTCTCACCTGCACACCCGCTCAGGGGAG-3'
Protein context (NP_071407.4, residues 1780-1800): EYSIMDGDPL[Gly1790Arg]EFVISPVEGV

ClinVar aggregate classification (germline): Uncertain significance (1 of 4 stars; one submission).

Allele frequency attached by ClinVar (database versions not stated): gnomAD exomes below 0.00001 and 0.00001; gnomAD 0.00001.
gnomAD v4.1: 9 of 1,598,628 alleles (0.00056%); highest among the groups gnomAD compares: African/African-American, 0.0067%; no homozygotes.

Submission:

Labcorp Genetics (formerly Invitae), Labcorp
Classification: Uncertain significance. Last evaluated: 2022-01-13. Review status: criteria provided, single submitter. Criteria: Invitae Variant Classification Sherloc (09022015). Collection method: clinical testing. Allele origin: germline.
Comment: This sequence change replaces glycine, which is neutral and non-polar, with arginine, which is basic and polar, at codon 1790 of the CDH23 protein (p.Gly1790Arg). This variant also falls at the last nucleotide of exon 41, which is part of the consensus splice site for this exon. This variant is present in population databases (no rsID available, gnomAD 0.004%). This variant has not been reported in the literature in individuals affected with CDH23-related conditions. Algorithms developed to predict the effect of missense changes on protein structure and function are either unavailable or do not agree on the potential impact of this missense change (SIFT: "Deleterious"; PolyPhen-2: "Not Available"; Align-GVGD: "Class C0"). Variants that disrupt the consensus splice site are a relatively common cause of aberrant splicing (PMID: 17576681, 9536098). Algorithms developed to predict the effect of sequence changes on RNA splicing suggest that this variant may disrupt the consensus splice site. In summary, the available evidence is currently insufficient to determine the role of this variant in disease. Therefore, it has been classified as a Variant of Uncertain Significance.

Literature cited by the submitters: PubMed 17576681; PubMed 9536098.